The following is an entry in ClinVar:

NM_000264.5(PTCH1):c.1411C>G (p.Leu471Val)

Gene: PTCH1 (patched 1; minus strand). Cytogenetic location: 9q22.32.
Variant type: single nucleotide variant.
Coding change: c.1411C>G on transcript NM_000264.5 (MANE Select); coding-DNA position 1411, C replaced by G.
Protein change: p.Leu471Val; replaces leucine 471 with valine.
Molecular consequence: missense variant. On other transcripts: non-coding transcript variant (1), intron variant (1).
Genome position (GRCh38, 1-based): chr9:95,477,639, G>C on the plus strand (C>G on the coding strand, the complement: PTCH1 is on the minus strand). VCF-style: chr9-95477639-G-C. GRCh37 (hg19) VCF-style: chr9-98239921-G-C.
Other names: c.1213C>G, p.Leu405Val (NM_001083602.3); c.1408C>G, p.Leu470Val (NM_001083603.3); c.958C>G, p.Leu320Val (NM_001083604.3, NM_001083605.3, NM_001083606.3 and 1 more transcripts); c.1347+416C>G (NM_001354918.2); short protein forms L470V, L320V, L471V, L405V.
Identifiers: ClinVar variation 2080534 (VCV002080534.4), dbSNP rs2118307778, ClinGen allele CA374118551.
Genomic context (GRCh38, chr9:95,477,639, plus strand): 5'-TCAATGAGCACAGGCCCAGTCCTGCAGCCACTGACAGTGCAACCAGCAGGACGCCAGCCA[G>C]CCCCACGGCACCCTGGGACTTGGAGCAGTCCCAGCGCAGCATGGTTAGACAGGCATAGGC-3'
Protein context (NP_000255.2, residues 461-481): DCSKSQGAVG[Leu471Val]AGVLLVALSV

ClinVar aggregate classification (germline): Uncertain significance (1 of 4 stars; one submission).

Conditions:
Gorlin syndrome. Also called: Nevoid Basal Cell Carcinoma Syndrome; Basal cell nevus syndrome. Identifiers: Orphanet 377, MedGen C0004779, MONDO:0007187.

Submission:

Labcorp Genetics (formerly Invitae), Labcorp
Classification: Uncertain significance for Gorlin syndrome. Last evaluated: 2022-01-11. Review status: criteria provided, single submitter. Criteria: Invitae Variant Classification Sherloc (09022015). Collection method: clinical testing. Allele origin: germline.
Comment: Advanced modeling of protein sequence and biophysical properties (such as structural, functional, and spatial information, amino acid conservation, physicochemical variation, residue mobility, and thermodynamic stability) performed at Invitae indicates that this missense variant is not expected to disrupt PTCH1 protein function. In summary, the available evidence is currently insufficient to determine the role of this variant in disease. Therefore, it has been classified as a Variant of Uncertain Significance. This sequence change replaces leucine, which is neutral and non-polar, with valine, which is neutral and non-polar, at codon 471 of the PTCH1 protein (p.Leu471Val). This variant is not present in population databases (gnomAD no frequency). This variant has not been reported in the literature in individuals affected with PTCH1-related conditions.